The following is an entry in ClinVar:

NM_001384125.1(BLTP1):c.697_701del (p.Thr233fs)

Gene: BLTP1 (bridge-like lipid transfer protein family member 1; plus strand). Cytogenetic location: 4q27.
Variant type: Deletion.
Coding change: c.697_701del on transcript NM_001384125.1 (MANE Select); coding-DNA positions 697 to 701, 5 bases deleted (ACTTA; older notation c.697_701delACTTA).
Protein change: p.Thr233fs; shifts the reading frame from threonine 233.
Molecular consequence: frameshift variant.
Genome position (GRCh38, 1-based): chr4:122,187,964-122,187,968, ACTTA deleted; deleting any 5 consecutive bases within chr4:122,187,960-122,187,968 gives the same sequence; the c. name uses the placement nearest the transcript's 3' end. VCF-style (leftmost placement, unchanged base first): chr4-122187959-TCTTAA-T. GRCh37 (hg19) VCF-style: chr4-123109114-TCTTAA-T.
Other names: c.697_701del, p.Thr233fs (NM_015312.4); short protein forms T233fs.
Identifiers: ClinVar variation 5037985 (VCV005037985.2).
Genomic context (GRCh38, chr4:122,187,959, plus strand): 5'-GTTTGGCCTTTGGAAATCACTACCAGCCGCAAACTCTGTGCATCAACTTTGATGATGCTT[TCTTAA>T]CTTATACTACAAAACCACCTTCAAGTCATCTTGACCAATTCATGCATATTGTGAAAGGAA-3'

ClinVar aggregate classification (germline): Likely pathogenic (1 of 4 stars; one submission).

Conditions:
Alkuraya-Kucinskas syndrome. Identifiers: Orphanet 610569, MedGen C4693347, MONDO:0060631, OMIM 617822.

Submission:

Juno Genomics, Hangzhou Juno Genomics, Inc
Classification: Likely pathogenic for Alkuraya-Kucinskas syndrome. Review status: criteria provided, single submitter. Criteria: ACMG Guidelines, 2015. Collection method: clinical testing. Allele origin: germline.
Comment: Absent from controls (or at extremely low frequency if recessive) in Genome Aggregation Database.;Null variant in a gene where loss of function (LOF) is a known mechanism of disease.